The following is an entry in ClinVar:

NM_001039958.2(MESP2):c.1063G>A (p.Asp355Asn)

Gene: MESP2 (mesoderm posterior bHLH transcription factor 2; plus strand). Cytogenetic location: 15q26.1.
Variant type: single nucleotide variant.
Coding change: c.1063G>A on transcript NM_001039958.2 (MANE Select); coding-DNA position 1063, G replaced by A.
Protein change: p.Asp355Asn; replaces aspartic acid 355 with asparagine.
Molecular consequence: missense variant.
Genome position (GRCh38, 1-based): chr15:89,778,203, G>A. VCF-style: chr15-89778203-G-A. GRCh37 (hg19) VCF-style: chr15-90321434-G-A.
Other names: short protein forms D355N.
Identifiers: ClinVar variation 886402 (VCV000886402.6), dbSNP rs770301033, ClinGen allele CA7730587.

ClinVar aggregate classification (germline): Uncertain significance. Review status: criteria provided, multiple submitters, no conflicts (2 of 4 stars). 2 submissions from 2 submitters: Uncertain significance (2). Last evaluated 2022-10-24.

Conditions:
Spondylocostal dysostosis 2, autosomal recessive (SCDO2). Also called: Spondylocostal dysostosis type 2; MESP2-Related Spondylocostal Dysostosis, Autosomal Recessive. Identifiers: Orphanet 2311, MedGen C1837549, MONDO:0012097, OMIM 608681.

Allele frequency attached by ClinVar (database versions not stated): TOPMed 0.00001; ExAC 0.00003; gnomAD 0.00003.

Submissions (2):

Labcorp Genetics (formerly Invitae), Labcorp
Classification: Uncertain significance. Last evaluated: 2022-10-24. Review status: criteria provided, single submitter. Criteria: Invitae Variant Classification Sherloc (09022015). Collection method: clinical testing. Allele origin: germline.
Comment: This sequence change replaces aspartic acid, which is acidic and polar, with asparagine, which is neutral and polar, at codon 355 of the MESP2 protein (p.Asp355Asn). This variant is present in population databases (rs770301033, gnomAD 0.007%). This variant has not been reported in the literature in individuals affected with MESP2-related conditions. ClinVar contains an entry for this variant (Variation ID: 886402). Algorithms developed to predict the effect of missense changes on protein structure and function output the following: SIFT: "Deleterious"; PolyPhen-2: "Possibly Damaging"; Align-GVGD: "Class C0". The asparagine amino acid residue is found in multiple mammalian species, which suggests that this missense change does not adversely affect protein function. In summary, the available evidence is currently insufficient to determine the role of this variant in disease. Therefore, it has been classified as a Variant of Uncertain Significance.

Illumina Laboratory Services, Illumina
Classification: Uncertain significance for Spondylocostal dysostosis 2, autosomal recessive. Last evaluated: 2018-01-12. Review status: criteria provided, single submitter. Criteria: ICSL Variant Classification Criteria 13 December 2019. Collection method: clinical testing. Allele origin: germline.